The following is an entry in ClinVar:

NM_003126.4(SPTA1):c.3263C>T (p.Ala1088Val)

Gene: SPTA1 (spectrin alpha, erythrocytic 1; minus strand). Cytogenetic location: 1q23.1.
Variant type: single nucleotide variant.
Coding change: c.3263C>T on transcript NM_003126.4 (MANE Select); coding-DNA position 3263, C replaced by T.
Protein change: p.Ala1088Val; replaces alanine 1088 with valine.
Molecular consequence: missense variant.
Genome position (GRCh38, 1-based): chr1:158,652,579, G>A on the plus strand (C>T on the coding strand, the complement: SPTA1 is on the minus strand). VCF-style: chr1-158652579-G-A. GRCh37 (hg19) VCF-style: chr1-158622369-G-A.
Other names: short protein forms A1088V.
Identifiers: ClinVar variation 4884290 (VCV004884290.1).

ClinVar aggregate classification (germline): Likely pathogenic (1 of 4 stars; one submission).

Conditions:
Hereditary spherocytosis type 1. Also called: Spherocytosis type 1; ANK1-Related Spherocytosis. Identifiers: Orphanet 822, MedGen C2674218, MONDO:0008447, OMIM 182900.

Submission:

Department of Clinical Laboratory, Shenzhen Children's Hospital
Classification: Likely pathogenic for Hereditary spherocytosis type 1. Last evaluated: 2026-06-01. Review status: criteria provided, single submitter. Criteria: ACMG Guidelines, 2015. Collection method: clinical testing. Allele origin: germline. Affected: yes. Observed: 1 variant allele.
Comment: ACMG criteria: PM2+PM3+PP3+PP4. This missense variant replaces alanine with valine at position 1088, located in the core of the triple-helical bundle of spectrin repeat 10. Not present in gnomAD. FoldX prediction indicates destabilizing effect.